The following is an entry in ClinVar:

NM_015047.3(EMC1):c.881A>G (p.His294Arg)

Genes: EMC1 (ER membrane protein complex subunit 1; minus strand), EMC1-AS1 (EMC1 antisense RNA 1; plus strand). Cytogenetic location: 1p36.13.
Variant type: single nucleotide variant.
Coding change: c.881A>G on transcript NM_015047.3 (MANE Select); coding-DNA position 881, A replaced by G.
Protein change: p.His294Arg; replaces histidine 294 with arginine.
Molecular consequence: missense variant.
Genome position (GRCh38, 1-based): chr1:19,239,891, T>C on the plus strand (A>G on the coding strand, the complement: EMC1 is on the minus strand). VCF-style: chr1-19239891-T-C. GRCh37 (hg19) VCF-style: chr1-19566385-T-C.
Other names: c.881A>G, p.His294Arg (NM_001271427.2, NM_001271428.2, NM_001375820.1 and 1 more transcripts); c.815A>G, p.His272Arg (NM_001271429.2); short protein forms H294R, H272R.
Identifiers: ClinVar variation 1491002 (VCV001491002.8), dbSNP rs772900959, ClinGen allele CA338768155.

ClinVar aggregate classification (germline): Uncertain significance (1 of 4 stars; one submission).

Submission:

Labcorp Genetics (formerly Invitae), Labcorp
Classification: Uncertain significance. Last evaluated: 2021-03-25. Review status: criteria provided, single submitter. Criteria: Invitae Variant Classification Sherloc (09022015). Collection method: clinical testing. Allele origin: germline.
Comment: This sequence change replaces histidine with arginine at codon 294 of the EMC1 protein (p.His294Arg). The histidine residue is weakly conserved and there is a small physicochemical difference between histidine and arginine. This variant is not present in population databases (ExAC no frequency). In summary, the available evidence is currently insufficient to determine the role of this variant in disease. Therefore, it has been classified as a Variant of Uncertain Significance. Algorithms developed to predict the effect of missense changes on protein structure and function (SIFT, PolyPhen-2, Align-GVGD) all suggest that this variant is likely to be tolerated, but these predictions have not been confirmed by published functional studies and their clinical significance is uncertain. This variant has not been reported in the literature in individuals with EMC1-related conditions.